The following is an entry in ClinVar:

NM_006922.4(SCN3A):c.1019G>A (p.Gly340Asp)

Gene: SCN3A (sodium voltage-gated channel alpha subunit 3; minus strand). Cytogenetic location: 2q24.3.
Variant type: single nucleotide variant.
Coding change: c.1019G>A on transcript NM_006922.4 (MANE Select); coding-DNA position 1019, G replaced by A.
Protein change: p.Gly340Asp; replaces glycine 340 with aspartic acid.
Molecular consequence: missense variant.
Genome position (GRCh38, 1-based): chr2:165,162,320, C>T on the plus strand (G>A on the coding strand, the complement: SCN3A is on the minus strand). VCF-style: chr2-165162320-C-T. GRCh37 (hg19) VCF-style: chr2-166018830-C-T.
Other names: c.1019G>A, p.Gly340Asp (NM_001081676.2, NM_001081677.2); short protein forms G340D.
Identifiers: ClinVar variation 998605 (VCV000998605.8), dbSNP rs1689453254, ClinGen allele CA349238710.
Genomic context (GRCh38, chr2:165,162,320, plus strand): 5'-TTTTTCGCAAAGAGTTCTATATCTTAAAAAATATATTATGTTTCTTACCCTGCATCTGAG[C>T]CATTTCCACAGAGTAAAGGGTCTTTTTGCCCATCCAAAACATAAAAGTGACCTGTTAATA-3'
Protein context (NP_008853.3, residues 330-350): GQKDPLLCGN[Gly340Asp]SDAGQCPEGY

ClinVar aggregate classification (germline): Uncertain significance (1 of 4 stars; one submission).

Submission:

Labcorp Genetics (formerly Invitae), Labcorp
Classification: Uncertain significance. Last evaluated: 2022-06-09. Review status: criteria provided, single submitter. Criteria: Invitae Variant Classification Sherloc (09022015). Collection method: clinical testing. Allele origin: germline.
Comment: Algorithms developed to predict the effect of missense changes on protein structure and function (SIFT, PolyPhen-2, Align-GVGD) all suggest that this variant is likely to be tolerated. ClinVar contains an entry for this variant (Variation ID: 998605). This variant has not been reported in the literature in individuals affected with SCN3A-related conditions. This variant is not present in population databases (gnomAD no frequency). This sequence change replaces glycine, which is neutral and non-polar, with aspartic acid, which is acidic and polar, at codon 340 of the SCN3A protein (p.Gly340Asp). In summary, the available evidence is currently insufficient to determine the role of this variant in disease. Therefore, it has been classified as a Variant of Uncertain Significance.